The following is an entry in ClinVar:

NM_000214.3(JAG1):c.439+10G>A

Gene: JAG1 (jagged canonical Notch ligand 1; minus strand). Cytogenetic location: 20p12.2.
Variant type: single nucleotide variant.
Coding change: c.439+10G>A on transcript NM_000214.3 (MANE Select); 10 bases into the intron after coding-DNA position 439, G replaced by A.
Molecular consequence: intron variant.
Genome position (GRCh38, 1-based): chr20:10,663,953, C>T on the plus strand (G>A on the coding strand, the complement: JAG1 is on the minus strand). VCF-style: chr20-10663953-C-T. GRCh37 (hg19) VCF-style: chr20-10644601-C-T.
Other names: c.439+10G>A (LRG_1191t1).
Identifiers: ClinVar variation 414163 (VCV000414163.45), dbSNP rs201371037, ClinGen allele CA9765137.

ClinVar aggregate classification (germline): Benign/Likely benign. Review status: criteria provided, multiple submitters, no conflicts (2 of 4 stars). 8 submissions from 8 submitters: Benign (3); Likely benign (3). 2 of the submissions do not count toward it. Last evaluated 2025-12-16.

Conditions:
JAG1-related disorder. Also called: JAG1-related disorders; JAG1-related condition.
Deafness, congenital heart defects, and posterior embryotoxon (DCHE). Identifiers: MedGen C1866053, MONDO:0060713, OMIM 617992.
Alagille syndrome due to a JAG1 point mutation. Also called: Alagille Syndrome 1; HEPATIC DUCTULAR HYPOPLASIA, SYNDROMATIC; JAG1-Related Alagille Syndrome. Identifiers: Orphanet 261619, Orphanet 52, MedGen C1956125, MONDO:0016862, OMIM 118450.
Charcot-Marie-Tooth disease, axonal, Type 2HH. Also called: CHARCOT-MARIE-TOOTH NEUROPATHY, TYPE 2HH. Identifiers: MedGen C5562003, MONDO:0030458, OMIM 619574.
Tetralogy of Fallot (TOF). Identifiers: Orphanet 3303, MedGen C0039685, MONDO:0008542, OMIM 187500, HP:0001636.

Allele frequency attached by ClinVar (database versions not stated): gnomAD exomes 0.00013 and 0.00033; ExAC 0.00037; gnomAD 0.00076 and 0.00081; 1000 Genomes Project 30x 0.00078; 1000 Genomes Project 0.00080; TOPMed 0.00081; ESP Exome Variant Server 0.00123.
gnomAD v4.1: 314 of 1,611,480 alleles (0.019%); highest among the groups gnomAD compares: African/African-American, 0.26%; 4 homozygotes.

Submissions (8):

Labcorp Genetics (formerly Invitae), Labcorp
Classification: Benign for Alagille syndrome due to a JAG1 point mutation. Last evaluated: 2025-12-16. Review status: criteria provided, single submitter. Criteria: Invitae Variant Classification Sherloc (09022015). Collection method: clinical testing. Allele origin: germline.

Blueprint Genetics
Classification: Likely benign. Last evaluated: 2024-11-13. Review status: criteria provided, single submitter. Criteria: ACMG Guidelines, 2015. Collection method: clinical testing. Allele origin: germline.

CeGaT Center for Human Genetics Tuebingen
Classification: Benign. Last evaluated: 2022-08-01. Review status: criteria provided, single submitter. Criteria: CeGaT Center For Human Genetics Tuebingen Variant Classification Criteria Version 2. Collection method: clinical testing. Allele origin: germline. Affected: yes. Observed: 1 variant allele.
Comment: JAG1: BS1, BS2

Fulgent Genetics
Classification: Likely benign for Alagille syndrome due to a JAG1 point mutation; Tetralogy of Fallot; Deafness, congenital heart defects, and posterior embryotoxon; Charcot-Marie-Tooth disease, axonal, Type 2HH. Last evaluated: 2021-09-16. Review status: criteria provided, single submitter. Criteria: ACMG Guidelines, 2015. Collection method: clinical testing. Allele origin: unknown.

Eurofins Ntd Llc (ga)
Classification: Likely benign. Last evaluated: 2016-12-05. Review status: criteria provided, single submitter. Criteria: EGL Classification Definitions 2015. Collection method: clinical testing. Allele origin: germline. Observed: 1 variant allele, 1 heterozygote.

GeneDx
Classification: Benign. Last evaluated: 2015-03-03. Review status: criteria provided, single submitter. Criteria: GeneDx Variant Classification Process June 2021. Collection method: clinical testing. Allele origin: germline. Affected: yes.

Genetic Services Laboratory, University of Chicago
Classification: Likely benign. Last evaluated: 2022-06-13. Review status: no assertion criteria provided. Collection method: clinical testing. Allele origin: germline. Affected: no. Not counted in ClinVar's aggregate classification.

PreventionGenetics, part of Exact Sciences
Classification: Likely benign for JAG1-related condition. Last evaluated: 2019-08-29. Review status: no assertion criteria provided. Collection method: clinical testing. Allele origin: germline. Not counted in ClinVar's aggregate classification.
Comment: This variant is classified as likely benign based on ACMG/AMP sequence variant interpretation guidelines (Richards et al. 2015 PMID: 25741868, with internal and published modifications).